The following is an entry in ClinVar:

ClinVar aggregate classification (germline): Uncertain significance (1 of 4 stars; one submission).

Conditions:
Hereditary cancer-predisposing syndrome. Also called: Hereditary neoplastic syndrome; Neoplastic Syndromes, Hereditary; Tumor predisposition; Hereditary Cancer Syndrome. Identifiers: Orphanet 140162, MedGen C0027672, MeSH D009386, MONDO:0015356.

Submission:

Ambry Genetics
Classification: Uncertain significance for Hereditary cancer-predisposing syndrome. Last evaluated: 2024-12-22. Review status: criteria provided, single submitter. Criteria: Ambry Variant Classification Scheme 2023. Collection method: clinical testing. Allele origin: germline.
Comment: The p.I283N variant (also known as c.848T>A), located in coding exon 7 of the EPCAM gene, results from a T to A substitution at nucleotide position 848. The isoleucine at codon 283 is replaced by asparagine, an amino acid with dissimilar properties. This amino acid position is conserved. In addition, the in silico prediction for this alteration is inconclusive. Based on the available evidence, the clinical significance of this variant remains unclear.

NM_002354.3(EPCAM):c.848T>A (p.Ile283Asn)

Gene: EPCAM (epithelial cell adhesion molecule; plus strand). Cytogenetic location: 2p21.
Variant type: single nucleotide variant.
Coding change: c.848T>A on transcript NM_002354.3 (MANE Select); coding-DNA position 848, T replaced by A.
Protein change: p.Ile283Asn; replaces isoleucine 283 with asparagine.
Molecular consequence: missense variant.
Genome position (GRCh38, 1-based): chr2:47,379,959, T>A. VCF-style: chr2-47379959-T-A. GRCh37 (hg19) VCF-style: chr2-47607098-T-A.
Other names: short protein forms I283N.
Identifiers: ClinVar variation 3845287 (VCV003845287.1).